The following is an entry in ClinVar:

NM_000465.4(BARD1):c.1452G>A (p.Lys484=)

Gene: BARD1 (BRCA1 associated RING domain 1; minus strand). Cytogenetic location: 2q35.
Variant type: single nucleotide variant.
Coding change: c.1452G>A on transcript NM_000465.4 (MANE Select); coding-DNA position 1452, G replaced by A.
Protein change: p.Lys484=; no amino-acid change (lysine 484 retained).
Molecular consequence: synonymous variant. On other transcripts: non-coding transcript variant (3), intron variant (3).
Genome position (GRCh38, 1-based): chr2:214,767,598, C>T on the plus strand (G>A on the coding strand, the complement: BARD1 is on the minus strand). VCF-style: chr2-214767598-C-T. GRCh37 (hg19) VCF-style: chr2-215632322-C-T.
Other names: p.Lys484=; c.1395G>A, p.Lys465= (NM_001282543.2); c.159-15043G>A (NM_001282548.2); c.216-15043G>A (NM_001282545.2); c.364+24699G>A (NM_001282549.2).
Identifiers: ClinVar variation 231384 (VCV000231384.22), dbSNP rs201841770, ClinGen allele CA10577805.

ClinVar aggregate classification (germline): Benign/Likely benign. Review status: criteria provided, multiple submitters, no conflicts (2 of 4 stars). 6 submissions from 6 submitters: Benign (1); Likely benign (5). Last evaluated 2025-10-01.

Conditions:
Familial cancer of breast. Also called: BREAST CANCER, FAMILIAL; hereditary breast carcinoma; Hereditary breast cancer. Identifiers: Orphanet 227535, MedGen C0346153, MONDO:0016419, OMIM 114480. Disease mechanism: loss of function.
Hereditary cancer-predisposing syndrome. Also called: Neoplastic Syndromes, Hereditary; Tumor predisposition; Hereditary Cancer Syndrome; Hereditary neoplastic syndrome. Identifiers: Orphanet 140162, MedGen C0027672, MeSH D009386, MONDO:0015356.

Allele frequency attached by ClinVar (database versions not stated): gnomAD 0.00001; gnomAD exomes 0.00002; TOPMed 0.00002.
gnomAD v4.1: 34 of 1,613,936 alleles (0.0021%); highest among the groups gnomAD compares: Non-Finnish European, 0.0029%; no homozygotes.

Submissions (6):

Labcorp Genetics (formerly Invitae), Labcorp
Classification: Likely benign for Familial cancer of breast. Last evaluated: 2025-10-01. Review status: criteria provided, single submitter. Criteria: Invitae Variant Classification Sherloc (09022015). Collection method: clinical testing. Allele origin: germline.

Mayo Clinic Laboratories, Mayo Clinic
Classification: Likely benign. Last evaluated: 2025-02-11. Review status: criteria provided, single submitter. Criteria: ACMG Guidelines, 2015. Collection method: clinical testing. Allele origin: germline. Observed: 1 variant allele.
Comment: BP4, BP7

Myriad Genetics, Inc.
Classification: Benign for Familial cancer of breast. Last evaluated: 2024-07-25. Review status: criteria provided, single submitter. Criteria: Myriad Autosomal Dominant, Autosomal Recessive and X-Linked Classification Criteria (2023). Collection method: clinical testing. Allele origin: unknown.
Comment: This variant is considered benign. This variant is a silent/synonymous amino acid change and it is not expected to impact splicing.

Color Diagnostics, LLC DBA Color Health
Classification: Likely benign for Hereditary cancer-predisposing syndrome. Last evaluated: 2019-11-05. Review status: criteria provided, single submitter. Criteria: ACMG Guidelines, 2015. Collection method: clinical testing. Allele origin: germline.

GeneDx
Classification: Likely benign. Last evaluated: 2018-04-23. Review status: criteria provided, single submitter. Criteria: GeneDx Variant Classification (06012015). Collection method: clinical testing. Allele origin: germline. Affected: yes.
Comment: This variant is considered likely benign or benign based on one or more of the following criteria: it is a conservative change, it occurs at a poorly conserved position in the protein, it is predicted to be benign by multiple in silico algorithms, and/or has population frequency not consistent with disease.

Ambry Genetics
Classification: Likely benign for Hereditary cancer-predisposing syndrome. Last evaluated: 2015-04-15. Review status: criteria provided, single submitter. Criteria: Ambry Variant Classification Scheme 2023. Collection method: clinical testing. Allele origin: germline.